The following is an entry in ClinVar:

ClinVar aggregate classification (germline): Uncertain significance (1 of 4 stars; one submission).

Conditions:
Cohen syndrome (COH1). Also called: PEPPER SYNDROME; Cutis verticis gyrata, retinitis pigmentosa, and sensorineural deafness. Identifiers: Orphanet 193, MedGen C0265223, MONDO:0008999, OMIM 216550.

Allele frequency attached by ClinVar (database versions not stated): gnomAD exomes below 0.00001.
gnomAD v4.1: 1 of 1,613,264 alleles (0.000062%); highest among the groups gnomAD compares: Admixed American, 0.0017%; no homozygotes.

Submission:

Labcorp Genetics (formerly Invitae), Labcorp
Classification: Uncertain significance for Cohen syndrome. Last evaluated: 2022-10-24. Review status: criteria provided, single submitter. Criteria: Invitae Variant Classification Sherloc (09022015). Collection method: clinical testing. Allele origin: germline.
Comment: This sequence change replaces glutamic acid, which is acidic and polar, with glycine, which is neutral and non-polar, at codon 1649 of the VPS13B protein (p.Glu1649Gly). This variant is present in population databases (no rsID available, gnomAD 0.003%). This variant has not been reported in the literature in individuals affected with VPS13B-related conditions. Advanced modeling of protein sequence and biophysical properties (such as structural, functional, and spatial information, amino acid conservation, physicochemical variation, residue mobility, and thermodynamic stability) performed at Invitae indicates that this missense variant is expected to disrupt VPS13B protein function. In summary, the available evidence is currently insufficient to determine the role of this variant in disease. Therefore, it has been classified as a Variant of Uncertain Significance.

NM_152564.5(VPS13B):c.4871A>G (p.Glu1624Gly)

Gene: VPS13B (vacuolar protein sorting 13 homolog B; plus strand). Cytogenetic location: 8q22.2.
Variant type: single nucleotide variant.
Coding change: c.4871A>G on transcript NM_152564.5 (MANE Select); coding-DNA position 4871, A replaced by G.
Protein change: p.Glu1624Gly; replaces glutamic acid 1624 with glycine.
Molecular consequence: missense variant.
Genome position (GRCh38, 1-based): chr8:99,556,575, A>G. VCF-style: chr8-99556575-A-G. GRCh37 (hg19) VCF-style: chr8-100568803-A-G.
Other names: c.4946A>G, p.Glu1649Gly (NM_017890.5); short protein forms E1624G, E1649G.
Identifiers: ClinVar variation 1983404 (VCV001983404.1), dbSNP rs1384634797, ClinGen allele CA371869428.